The following is an entry in ClinVar:

ClinVar aggregate classification (germline): Uncertain significance. Review status: no assertion criteria provided (0 of 4 stars). 2 submissions from 1 submitter: Uncertain significance (1). 1 of the submissions does not count toward it.

Submissions (2):

Richard Lifton Laboratory, Yale University School of Medicine
Classification: Uncertain significance. Review status: no assertion criteria provided. Collection method: not provided. Allele origin: somatic.
Comment: WDR6:p.C683G
ClinVar note: Converted during submission from unknown to Uncertain significance.

Richard Lifton Laboratory, Yale University School of Medicine
Classification: Uncertain significance. Review status: flagged submission. Collection method: not provided. Allele origin: somatic. Not counted in ClinVar's aggregate classification.
ClinVar note: Converted during submission from unknown to Uncertain significance.
ClinVar note: Reason: This record appears to be redundant with a more recent record from the same submitter.
ClinVar note: Notes: SCV000120093 appears to be redundant with SCV000155197.

NM_018031.6(WDR6):c.1957T>G (p.Cys653Gly)

Gene: WDR6 (WD repeat domain 6; plus strand). Cytogenetic location: 3p21.31.
Variant type: single nucleotide variant.
Coding change: c.1957T>G on transcript NM_018031.6 (MANE Select); coding-DNA position 1957, T replaced by G.
Protein change: p.Cys653Gly; replaces cysteine 653 with glycine.
Molecular consequence: missense variant.
Genome position (GRCh38, 1-based): chr3:49,013,491, T>G. VCF-style: chr3-49013491-T-G. GRCh37 (hg19) VCF-style: chr3-49050924-T-G.
Other names: c.1879T>G, p.Cys627Gly (NM_001320546.3); c.1804T>G, p.Cys602Gly (NM_001320547.2); short protein forms C653G, C627G, C602G.
Identifiers: ClinVar variation 100868 (VCV000100868.2), dbSNP rs483352745, ClinGen allele CA229162.